The following is an entry in ClinVar:

NM_014844.5(TECPR2):c.3275C>G (p.Ser1092Trp)

Gene: TECPR2 (tectonin beta-propeller repeat containing 2; plus strand). Cytogenetic location: 14q32.31.
Variant type: single nucleotide variant.
Coding change: c.3275C>G on transcript NM_014844.5 (MANE Select); coding-DNA position 3275, C replaced by G.
Protein change: p.Ser1092Trp; replaces serine 1092 with tryptophan.
Molecular consequence: missense variant.
Genome position (GRCh38, 1-based): chr14:102,449,828, C>G. VCF-style: chr14-102449828-C-G. GRCh37 (hg19) VCF-style: chr14-102916165-C-G.
Other names: c.3275C>G, p.Ser1092Trp (NM_001172631.3); short protein forms S1092W.
Identifiers: ClinVar variation 2190431 (VCV002190431.1), dbSNP rs72700618, ClinGen allele CA7358174.
Genomic context (GRCh38, chr14:102,449,828, plus strand): 5'-AGCAGCTTCAGTGCCAGCCAAGCCTTCTCGGGGTCAATAACAGCGGTGTCTGGATCTCCT[C>G]GGGCAAGAATGAATTCCACGTCGCTAAGGGAAGTCTCATAGGTGGGTGAATTGCTGTAAT-3'
Protein context (NP_055659.2, residues 1082-1102): GVNNSGVWIS[Ser1092Trp]GKNEFHVAKG

ClinVar aggregate classification (germline): Uncertain significance (1 of 4 stars; one submission).

Conditions:
Hereditary spastic paraplegia 49 (HSAN9). Also called: NEUROPATHY, HEREDITARY SENSORY AND AUTONOMIC, TYPE IX, WITH DEVELOPMENTAL DELAY; Spastic paraplegia 49, autosomal recessive; TECPR2-Related Hereditary Sensory and Autonomic Neuropathy with Intellectual Disability. Identifiers: Orphanet 320385, MedGen C5190860, MONDO:0014016, OMIM 615031.

gnomAD v4.1: 47 of 1,613,944 alleles (0.0029%); highest among the groups gnomAD compares: Non-Finnish European, 0.0036%; no homozygotes.

Submission:

Labcorp Genetics (formerly Invitae), Labcorp
Classification: Uncertain significance for Hereditary spastic paraplegia 49. Last evaluated: 2021-08-26. Review status: criteria provided, single submitter. Criteria: Invitae Variant Classification Sherloc (09022015). Collection method: clinical testing. Allele origin: germline.
Comment: This sequence change replaces serine with tryptophan at codon 1092 of the TECPR2 protein (p.Ser1092Trp). The serine residue is highly conserved and there is a large physicochemical difference between serine and tryptophan. This variant is present in population databases (rs72700618, ExAC 0.001%). This variant has not been reported in the literature in individuals affected with TECPR2-related conditions. Algorithms developed to predict the effect of missense changes on protein structure and function are either unavailable or do not agree on the potential impact of this missense change (SIFT: "Deleterious"; PolyPhen-2: "Probably Damaging"; Align-GVGD: "Class C0"). In summary, the available evidence is currently insufficient to determine the role of this variant in disease. Therefore, it has been classified as a Variant of Uncertain Significance.